The following is an entry in ClinVar:

ClinVar aggregate classification (germline): Likely benign. Review status: criteria provided, multiple submitters, no conflicts (2 of 4 stars). 2 submissions from 2 submitters: Likely benign (2). Last evaluated 2024-09-24.

Conditions:
Deficiency of beta-ureidopropionase (UPB1D). Also called: Beta-ureidopropionase deficiency. Identifiers: Orphanet 65287, MedGen C1291512, MONDO:0013164, OMIM 613161.

Allele frequency attached by ClinVar (database versions not stated): 1000 Genomes Project 30x 0.00031; 1000 Genomes Project 0.00040; TOPMed 0.00139; ESP Exome Variant Server 0.00192.
gnomAD v4.1: 3,323 of 1,612,786 alleles (0.21%); highest among the groups gnomAD compares: Non-Finnish European, 0.26%; 7 homozygotes.

Submissions (2):

Blueprint Genetics
Classification: Likely benign. Last evaluated: 2024-09-24. Review status: criteria provided, single submitter. Criteria: ACMG Guidelines, 2015. Collection method: clinical testing. Allele origin: germline.

Illumina Laboratory Services, Illumina
Classification: Likely benign for Deficiency of beta-ureidopropionase. Last evaluated: 2018-01-12. Review status: criteria provided, single submitter. Criteria: ICSL Variant Classification Criteria 13 December 2019. Collection method: clinical testing. Allele origin: germline.
Comment: This variant was observed in the ICSL laboratory as part of a predisposition screen in an ostensibly healthy population. It had not been previously curated by ICSL or reported in the Human Gene Mutation Database (HGMD: prior to June 1st, 2018), and was therefore a candidate for classification through an automated scoring system. Utilizing variant allele frequency, disease prevalence and penetrance estimates, and inheritance mode, an automated score was calculated to assess if this variant is too frequent to cause the disease. Based on the score and internal cut-off values, a variant classified as likely benign is not then subjected to further curation. The score for this variant resulted in a classification of likely benign for this disease.

NM_016327.3(UPB1):c.-7C>G

Gene: UPB1 (beta-ureidopropionase 1; plus strand). Cytogenetic location: 22q11.23.
Variant type: single nucleotide variant.
Coding change: c.-7C>G on transcript NM_016327.3 (MANE Select); 7 bases upstream of the start codon, C replaced by G.
Molecular consequence: 5 prime UTR variant.
Genome position (GRCh38, 1-based): chr22:24,495,397, C>G. VCF-style: chr22-24495397-C-G. GRCh37 (hg19) VCF-style: chr22-24891365-C-G.
Identifiers: ClinVar variation 340927 (VCV000340927.6), dbSNP rs200677387, ClinGen allele CA10152940.